The following is an entry in ClinVar:

NM_002473.6(MYH9):c.2579A>G (p.Lys860Arg)

Gene: MYH9 (myosin heavy chain 9; minus strand). Cytogenetic location: 22q12.3.
Variant type: single nucleotide variant.
Coding change: c.2579A>G on transcript NM_002473.6 (MANE Select); coding-DNA position 2579, A replaced by G.
Protein change: p.Lys860Arg; replaces lysine 860 with arginine.
Molecular consequence: missense variant.
Genome position (GRCh38, 1-based): chr22:36,301,586, T>C on the plus strand (A>G on the coding strand, the complement: MYH9 is on the minus strand). VCF-style: chr22-36301586-T-C. GRCh37 (hg19) VCF-style: chr22-36697632-T-C.
Other names: short protein forms K860R.
Identifiers: ClinVar variation 2011207 (VCV002011207.4), dbSNP rs2517971365, ClinGen allele CA411394516.

ClinVar aggregate classification (germline): Uncertain significance (1 of 4 stars; one submission).

Submission:

Labcorp Genetics (formerly Invitae), Labcorp
Classification: Uncertain significance. Last evaluated: 2024-02-24. Review status: criteria provided, single submitter. Criteria: Invitae Variant Classification Sherloc (09022015). Collection method: clinical testing. Allele origin: germline.
Comment: This sequence change replaces lysine, which is basic and polar, with arginine, which is basic and polar, at codon 860 of the MYH9 protein (p.Lys860Arg). This variant is not present in population databases (gnomAD no frequency). This variant has not been reported in the literature in individuals affected with MYH9-related conditions. ClinVar contains an entry for this variant (Variation ID: 2011207). Advanced modeling of protein sequence and biophysical properties (such as structural, functional, and spatial information, amino acid conservation, physicochemical variation, residue mobility, and thermodynamic stability) performed at Invitae indicates that this missense variant is not expected to disrupt MYH9 protein function with a negative predictive value of 95%. In summary, the available evidence is currently insufficient to determine the role of this variant in disease. Therefore, it has been classified as a Variant of Uncertain Significance.